The following is an entry in ClinVar:

NM_130837.3(OPA1):c.843+5T>C

Gene: OPA1 (OPA1 mitochondrial dynamin like GTPase; plus strand). Cytogenetic location: 3q29.
Variant type: single nucleotide variant.
Coding change: c.843+5T>C on transcript NM_130837.3 (MANE Select); 5 bases into the intron after coding-DNA position 843, T replaced by C.
Molecular consequence: intron variant.
Genome position (GRCh38, 1-based): chr3:193,631,670, T>C. VCF-style: chr3-193631670-T-C. GRCh37 (hg19) VCF-style: chr3-193349459-T-C.
Other names: c.306+5T>C (NM_001354664.2); c.309+5T>C (NM_001354663.2); c.732+5T>C (NM_130834.3); c.789+5T>C (NM_130836.3); c.678+5T>C (NM_015560.3); c.735+5T>C (NM_130835.3); c.624+5T>C (NM_130832.3); c.681+5T>C (NM_130833.3); and 1 more.
Identifiers: ClinVar variation 3015551 (VCV003015551.4), dbSNP rs2474748709, ClinGen allele CA2740091073.

ClinVar aggregate classification (germline): Conflicting classifications of pathogenicity. Review status: criteria provided, conflicting classifications (1 of 4 stars). 2 submissions from 2 submitters: Uncertain significance (1); Likely benign (1). Last evaluated 2025-08-04.

Submissions (2):

Labcorp Genetics (formerly Invitae), Labcorp
Classification: Uncertain significance. Last evaluated: 2025-08-04. Review status: criteria provided, single submitter. Criteria: Invitae Variant Classification Sherloc (09022015). Collection method: clinical testing. Allele origin: germline.
Comment: This sequence change falls in intron 6 of the OPA1 gene. It does not directly change the encoded amino acid sequence of the OPA1 protein. It affects a nucleotide within the consensus splice site. This variant is not present in population databases (gnomAD no frequency). This variant has not been reported in the literature in individuals affected with OPA1-related conditions. ClinVar contains an entry for this variant (Variation ID: 3015551). Variants that disrupt the consensus splice site are a relatively common cause of aberrant splicing (PMID: 17576681, 9536098). Algorithms developed to predict the effect of sequence changes on RNA splicing suggest that this variant is not likely to affect RNA splicing. In summary, the available evidence is currently insufficient to determine the role of this variant in disease. Therefore, it has been classified as a Variant of Uncertain Significance.

Blueprint Genetics
Classification: Likely benign. Last evaluated: 2021-11-29. Review status: criteria provided, single submitter. Criteria: ACMG Guidelines, 2015. Collection method: clinical testing. Allele origin: germline.

Literature cited by the submitters: PubMed 17576681 (cited by Labcorp Genetics (formerly Invitae), Labcorp); PubMed 9536098 (cited by Labcorp Genetics (formerly Invitae), Labcorp).